The following is an entry in ClinVar:

NM_000236.3(LIPC):c.382G>T (p.Asp128Tyr)

Gene: LIPC (lipase C, hepatic type; plus strand). Cytogenetic location: 15q21.3.
Variant type: single nucleotide variant.
Coding change: c.382G>T on transcript NM_000236.3 (MANE Select); coding-DNA position 382, G replaced by T.
Protein change: p.Asp128Tyr; replaces aspartic acid 128 with tyrosine.
Molecular consequence: missense variant.
Genome position (GRCh38, 1-based): chr15:58,541,893, G>T. VCF-style: chr15-58541893-G-T. GRCh37 (hg19) VCF-style: chr15-58834092-G-T.
Other names: short protein forms D128Y.
Identifiers: ClinVar variation 1439966 (VCV001439966.8), dbSNP rs267604272, ClinGen allele CA392611275.

ClinVar aggregate classification (germline): Uncertain significance (1 of 4 stars; one submission).

Submission:

Labcorp Genetics (formerly Invitae), Labcorp
Classification: Uncertain significance. Last evaluated: 2021-06-11. Review status: criteria provided, single submitter. Criteria: Invitae Variant Classification Sherloc (09022015). Collection method: clinical testing. Allele origin: germline.
Comment: In summary, the available evidence is currently insufficient to determine the role of this variant in disease. Therefore, it has been classified as a Variant of Uncertain Significance. Algorithms developed to predict the effect of missense changes on protein structure and function (SIFT, PolyPhen-2, Align-GVGD) all suggest that this variant is likely to be tolerated, but these predictions have not been confirmed by published functional studies and their clinical significance is uncertain. This sequence change replaces aspartic acid with tyrosine at codon 128 of the LIPC protein (p.Asp128Tyr). The aspartic acid residue is weakly conserved and there is a large physicochemical difference between aspartic acid and tyrosine. This variant is not present in population databases (ExAC no frequency). This variant has not been reported in the literature in individuals with LIPC-related conditions.